The following is an entry in ClinVar:

ClinVar aggregate classification (germline): Likely pathogenic (1 of 4 stars; one submission).

Conditions:
Platelet-type bleeding disorder 15 (BDPLT15). Also called: MACROTHROMBOCYTOPENIA, AUTOSOMAL DOMINANT, ACTN1-RELATED. Identifiers: Orphanet 140957, MedGen C3554663, MONDO:0014078, OMIM 615193.

Submission:

Victorian Clinical Genetics Services, Murdoch Childrens Research Institute
Classification: Likely pathogenic for Platelet-type bleeding disorder 15. Last evaluated: 2026-05-26. Review status: criteria provided, single submitter. Criteria: ACMG Guidelines, 2015. Collection method: clinical testing. Allele origin: germline. Affected: yes.
Comment: This variant is classified as Likely pathogenic. Evidence in support of pathogenic classification: Variant is absent from gnomAD (v2, v3 and v4); This variant has limited evidence for segregation with disease. Missense variant predicted to be damaging by in silico tool(s) or highly conserved with a major amino acid change. Additional information: Variant is predicted to result in a missense amino acid change from Leu to Pro; This variant is heterozygous; This gene is associated with autosomal dominant disease; Alternative amino acid change(s) at the same position are present in gnomAD (Highest allele count: v4: 1 heterozygote(s), 0 homozygote(s)); This variant has no previous evidence of pathogenicity; No published functional evidence has been identified for this variant; No comparable missense variants have previous evidence for pathogenicity; Variant is located in the annotated spectrin repeat domain (DECIPHER); Loss of function and gain of function are known mechanisms of disease in this gene and are associated with platelet-type bleeding disorder 15 (MIM#615193) (PMIDs: 23434115, 30351444, 26879394, 31365757).

Literature cited by the submitters: PubMed 31365757; PubMed 30351444; PubMed 23434115; PubMed 26879394.

NM_001130004.2(ACTN1):c.2003T>C (p.Leu668Pro)

Gene: ACTN1 (actinin alpha 1; minus strand). Cytogenetic location: 14q24.1.
Variant type: single nucleotide variant.
Coding change: c.2003T>C on transcript NM_001130004.2 (MANE Select); coding-DNA position 2003, T replaced by C.
Protein change: p.Leu668Pro; replaces leucine 668 with proline.
Molecular consequence: missense variant.
Genome position (GRCh38, 1-based): chr14:68,880,940, A>G on the plus strand (T>C on the coding strand, the complement: ACTN1 is on the minus strand). VCF-style: chr14-68880940-A-G. GRCh37 (hg19) VCF-style: chr14-69347657-A-G.
Other names: c.2003T>C, p.Leu668Pro (NM_001102.4, NM_001130005.2, NM_001424012.1 and 2 more transcripts); c.2027T>C, p.Leu676Pro (NM_001411035.1, NM_001424016.1); c.1808T>C, p.Leu603Pro (NM_001411036.1, NM_001424026.1, NM_001424028.1); c.2129T>C, p.Leu710Pro (NM_001424013.1); c.2090T>C, p.Leu697Pro (NM_001424015.1); c.2000T>C, p.Leu667Pro (NM_001424017.1); c.1964T>C, p.Leu655Pro (NM_001424018.1); c.1820T>C, p.Leu607Pro (NM_001424019.1, NM_001424024.1, NM_001424025.1 and 2 more transcripts); and 3 more; short protein forms L393P, L603P, L607P, L645P, L647P, L655P, L667P, L668P.
Identifiers: ClinVar variation 4531487 (VCV004531487.2).